The following is an entry in ClinVar:

ClinVar aggregate classification (germline): Pathogenic (1 of 4 stars; one submission).

Submission:

Labcorp Genetics (formerly Invitae), Labcorp
Classification: Pathogenic. Last evaluated: 2022-04-08. Review status: criteria provided, single submitter. Criteria: Invitae Variant Classification Sherloc (09022015). Collection method: clinical testing. Allele origin: germline.
Comment: This variant has not been reported in the literature in individuals affected with LAMB3-related conditions. This variant is not present in population databases (gnomAD no frequency). This sequence change creates a premature translational stop signal (p.Glu871Aspfs*34) in the LAMB3 gene. It is expected to result in an absent or disrupted protein product. Loss-of-function variants in LAMB3 are known to be pathogenic (PMID: 11023379, 16473856). For these reasons, this variant has been classified as Pathogenic.

Literature cited by the submitters: PubMed 11023379; PubMed 16473856.

NM_000228.3(LAMB3):c.2613_2614del (p.Glu871fs)

Gene: LAMB3 (laminin subunit beta 3; minus strand). Cytogenetic location: 1q32.2.
Variant type: Microsatellite.
Coding change: c.2613_2614del on transcript NM_000228.3 (MANE Select); coding-DNA positions 2613 to 2614, 2 bases deleted (GA; older notation c.2613_2614delGA).
Protein change: p.Glu871fs; shifts the reading frame from glutamic acid 871.
Molecular consequence: frameshift variant.
Genome position (GRCh38, 1-based): chr1:209,622,623-209,622,624, TC deleted on the plus strand (GA on the coding strand, the reverse complement: LAMB3 is on the minus strand); deleting any 2 consecutive bases within chr1:209,622,623-209,622,626 gives the same sequence; the c. name uses the placement nearest the transcript's 3' end. VCF-style (leftmost placement, unchanged base first): chr1-209622622-GTC-G. GRCh37 (hg19) VCF-style: chr1-209795967-GTC-G.
Other names: c.2613_2614del, p.Glu871fs (NM_001017402.2, NM_001127641.1); short protein forms E871fs.
Identifiers: ClinVar variation 1453284 (VCV001453284.6), dbSNP rs2102413026, ClinGen allele CA2580611226.
Genomic context (GRCh38, chr1:209,622,622, plus strand): 5'-ATTAGGAGCCGTGTGCGTCTGACATCTTCCTCCATCTGGGAGCGGCTGGCGCTCACCTGG[GTC>G]TCCAAGCGCTGGGCACTGGATTGAATCTGTGAGGCAGATTCCTCGGCTGCCCTAATCTGT-3'